The following is an entry in ClinVar:

ClinVar aggregate classification (germline): Conflicting classifications of pathogenicity. Review status: criteria provided, conflicting classifications (1 of 4 stars). 4 submissions from 4 submitters: Uncertain significance (3); Likely benign (1). Last evaluated 2025-08-09.

Conditions:
Hereditary cancer-predisposing syndrome. Also called: Neoplastic Syndromes, Hereditary; Tumor predisposition; Hereditary Cancer Syndrome; Hereditary neoplastic syndrome. Identifiers: Orphanet 140162, MedGen C0027672, MeSH D009386, MONDO:0015356.

Submissions (4):

Color Diagnostics, LLC DBA Color Health
Classification: Uncertain significance for Hereditary cancer-predisposing syndrome. Last evaluated: 2025-08-09. Review status: criteria provided, single submitter. Criteria: ACMG Guidelines, 2015. Collection method: clinical testing. Allele origin: germline.
Comment: This missense variant replaces glutamic acid with valine at codon 530 of the BRCA1 protein. Computational prediction is inconclusive regarding the impact of this variant on protein structure and function. To our knowledge, functional studies have not been reported for this variant. This variant has not been reported in individuals affected with BRCA1-related disorders in the literature. This variant has not been identified in the general population by the Genome Aggregation Database (gnomAD). The available evidence is insufficient to determine the role of this variant in disease conclusively. Therefore, this variant is classified as a Variant of Uncertain Significance.

Ambry Genetics
Classification: Uncertain significance for Hereditary cancer-predisposing syndrome. Last evaluated: 2025-04-16. Review status: criteria provided, single submitter. Criteria: Ambry Variant Classification Scheme 2023. Collection method: clinical testing. Allele origin: germline.
Comment: The p.E530V variant (also known as c.1589A>T), located in coding exon 9 of the BRCA1 gene, results from an A to T substitution at nucleotide position 1589. The glutamic acid at codon 530 is replaced by valine, an amino acid with dissimilar properties. This amino acid position is not well conserved in available vertebrate species. In addition, this alteration is predicted to be deleterious by in silico analysis. Since supporting evidence is limited at this time, the clinical significance of this alteration remains unclear.

University of Washington Department of Laboratory Medicine, University of Washington
Classification: Likely benign for Hereditary cancer-predisposing syndrome. Last evaluated: 2023-03-23. Review status: criteria provided, single submitter. Criteria: Dines et al. (Genet Med. 2020). Collection method: curation. Allele origin: germline.
Comment: Missense variant in a coldspot region where missense variants are very unlikely to be pathogenic (PMID:31911673).

BRCA1 coldspot (exon 11 using historical exon numbering). Reclassification based on statistical prior probability

GeneDx
Classification: Uncertain significance. Last evaluated: 2021-12-09. Review status: criteria provided, single submitter. Criteria: GeneDx Variant Classification Process June 2021. Collection method: clinical testing. Allele origin: germline. Affected: yes.
Comment: Not observed at significant frequency in large population cohorts (Lek 2016); In silico analysis supports that this missense variant has a deleterious effect on protein structure/function; Has not been previously published as pathogenic or benign to our knowledge; Also known as 1708A>T; This variant is associated with the following publications: (PMID: 15343273)

NM_007294.4(BRCA1):c.1589A>T (p.Glu530Val)

Gene: BRCA1 (BRCA1 DNA repair associated; minus strand). Cytogenetic location: 17q21.31.
Variant type: single nucleotide variant.
Coding change: c.1589A>T on transcript NM_007294.4 (MANE Select); coding-DNA position 1589, A replaced by T.
Protein change: p.Glu530Val; replaces glutamic acid 530 with valine.
Molecular consequence: missense variant. On other transcripts: intron variant (137).
Genome position (GRCh38, 1-based): chr17:43,093,942, T>A on the plus strand (A>T on the coding strand, the complement: BRCA1 is on the minus strand). VCF-style: chr17-43093942-T-A. GRCh37 (hg19) VCF-style: chr17-41245959-T-A.
Other names: c.1379A>T, p.Glu460Val (NM_001407906.1, NM_001407907.1, NM_001407908.1 and 13 more transcripts); c.1376A>T, p.Glu459Val (NM_001407917.1, NM_001407918.1, NM_001407915.1 and 9 more transcripts); c.1589A>T, p.Glu530Val (NM_001407581.1, NM_001407582.1, NM_001407583.1 and 30 more transcripts); c.1586A>T, p.Glu529Val (NM_001407587.1, NM_001407590.1, NM_001407591.1 and 22 more transcripts); c.1580A>T, p.Glu527Val (NM_001407646.1, NM_001407647.1); c.1466A>T, p.Glu489Val (NM_001407648.1, NM_001407664.1, NM_001407665.1 and 19 more transcripts); c.1463A>T, p.Glu488Val (NM_001407649.1, NM_001407670.1, NM_001407671.1 and 11 more transcripts); c.1511A>T, p.Glu504Val (NM_001407653.1, NM_001407654.1, NM_001407655.1 and 4 more transcripts); and 40 more; short protein forms E530V, E483V, E362V, E504V, E402V, E418V, E488V, E503V.
Identifiers: ClinVar variation 819553 (VCV000819553.11), dbSNP rs1555591512, ClinGen allele CA10598868.